The following is an entry in ClinVar:

NM_001165963.4(SCN1A):c.2266A>T (p.Lys756Ter)

Gene: SCN1A (sodium voltage-gated channel alpha subunit 1; minus strand). Cytogenetic location: 2q24.3.
Variant type: single nucleotide variant.
Coding change: c.2266A>T on transcript NM_001165963.4 (MANE Select); coding-DNA position 2266, A replaced by T.
Protein change: p.Lys756Ter; replaces lysine 756 with a stop codon.
Molecular consequence: nonsense. On other transcripts: 5 prime UTR variant (1), non-coding transcript variant (1).
Genome position (GRCh38, 1-based): chr2:166,041,380, T>A on the plus strand (A>T on the coding strand, the complement: SCN1A is on the minus strand). VCF-style: chr2-166041380-T-A. GRCh37 (hg19) VCF-style: chr2-166897890-T-A.
Other names: c.2182A>T, p.Lys728Ter (NM_001165964.3, NM_001353957.2, NM_001353958.2); c.2266A>T, p.Lys756Ter (NM_001202435.3, NM_001353948.2); c.2233A>T, p.Lys745Ter (NM_001353949.2, NM_001353950.2, NM_001353951.2 and 2 more transcripts); c.2230A>T, p.Lys744Ter (NM_001353954.2, NM_001353955.2); c.2179A>T, p.Lys727Ter (NM_001353960.2); c.-193A>T (NM_001353961.2); short protein forms K744*, K745*, K728*, K727*, K756*.
Identifiers: ClinVar variation 847338 (VCV000847338.8), dbSNP rs1426666349, ClinGen allele CA349064736.

ClinVar aggregate classification (germline): Pathogenic (1 of 4 stars; one submission).

Conditions:
Early-infantile DEE. Also called: Ohtahara syndrome; Early infantile epileptic encephalopathy with suppression bursts; Early infantile epileptic encephalopathy. Identifiers: Orphanet 1934, MedGen C0393706, MONDO:0800491.

Submission:

Labcorp Genetics (formerly Invitae), Labcorp
Classification: Pathogenic for Early-infantile DEE. Last evaluated: 2022-09-01. Review status: criteria provided, single submitter. Criteria: Invitae Variant Classification Sherloc (09022015). Collection method: clinical testing. Allele origin: germline.
Comment: For these reasons, this variant has been classified as Pathogenic. ClinVar contains an entry for this variant (Variation ID: 847338). This variant has not been reported in the literature in individuals affected with SCN1A-related conditions. This variant is not present in population databases (gnomAD no frequency). This sequence change creates a premature translational stop signal (p.Lys756*) in the SCN1A gene. It is expected to result in an absent or disrupted protein product. Loss-of-function variants in SCN1A are known to be pathogenic (PMID: 17347258, 18930999).

Literature cited by the submitters: PubMed 17347258; PubMed 18930999.